The following is an entry in ClinVar:

NM_014009.4(FOXP3):c.505T>C (p.Cys169Arg)

Gene: FOXP3 (forkhead box P3; minus strand). Cytogenetic location: Xp11.23.
Variant type: single nucleotide variant.
Coding change: c.505T>C on transcript NM_014009.4 (MANE Select); coding-DNA position 505, T replaced by C.
Protein change: p.Cys169Arg; replaces cysteine 169 with arginine.
Molecular consequence: missense variant.
Genome position (GRCh38, 1-based): chrX:49,256,962, A>G on the plus strand (T>C on the coding strand, the complement: FOXP3 is on the minus strand). VCF-style: chrX-49256962-A-G. GRCh37 (hg19) VCF-style: chrX-49113419-A-G.
Other names: c.400T>C, p.Cys134Arg (NM_001114377.2); short protein forms C169R, C134R.
Identifiers: ClinVar variation 1498399 (VCV001498399.9), dbSNP rs1237648287, ClinGen allele CA412952450.

ClinVar aggregate classification (germline): Uncertain significance. Review status: criteria provided, multiple submitters, no conflicts (2 of 4 stars). 2 submissions from 2 submitters: Uncertain significance (2). Last evaluated 2024-03-20.

Conditions:
Insulin-dependent diabetes mellitus secretory diarrhea syndrome (IPEX). Also called: Immunodysregulation, polyendocrinopathy, and enteropathy, X-linked; IMMUNODEFICIENCY, POLYENDOCRINOPATHY, AND ENTEROPATHY, X-LINKED; Immune dysregulation-polyendocrinopathy-enteropathy-X-linked syndrome; X-Linked Autoimmunity-Allergic Dysregulation Syndrome; Immunodeficiency, Polyendocrinopathy, and Enteropathy X-Linked Syndrome; X-Linked Syndrome of Polyendocrinopathy, Immune Dysfunction, and Diarrhea. Identifiers: Orphanet 37042, MedGen C0342288, MONDO:0010580, OMIM 304790. Disease mechanism: loss of function.

Allele frequency attached by ClinVar (database versions not stated): TOPMed 0.00001; gnomAD 0.00002.
gnomAD v4.1: 2 of 1,210,137 alleles (0.00017%); highest among the groups gnomAD compares: African/African-American, 0.0017%; no homozygotes.

Submissions (2):

Labcorp Genetics (formerly Invitae), Labcorp
Classification: Uncertain significance for Insulin-dependent diabetes mellitus secretory diarrhea syndrome. Last evaluated: 2024-03-20. Review status: criteria provided, single submitter. Criteria: Invitae Variant Classification Sherloc (09022015). Collection method: clinical testing. Allele origin: germline.
Comment: This sequence change replaces cysteine, which is neutral and slightly polar, with arginine, which is basic and polar, at codon 169 of the FOXP3 protein (p.Cys169Arg). This variant is not present in population databases (gnomAD no frequency). This variant has not been reported in the literature in individuals affected with FOXP3-related conditions. ClinVar contains an entry for this variant (Variation ID: 1498399). Advanced modeling of protein sequence and biophysical properties (such as structural, functional, and spatial information, amino acid conservation, physicochemical variation, residue mobility, and thermodynamic stability) performed at Invitae indicates that this missense variant is not expected to disrupt FOXP3 protein function with a negative predictive value of 80%. In summary, the available evidence is currently insufficient to determine the role of this variant in disease. Therefore, it has been classified as a Variant of Uncertain Significance.

Fulgent Genetics
Classification: Uncertain significance for Insulin-dependent diabetes mellitus secretory diarrhea syndrome. Last evaluated: 2021-12-02. Review status: criteria provided, single submitter. Criteria: ACMG Guidelines, 2015. Collection method: clinical testing. Allele origin: unknown.